The following is an entry in ClinVar:

ClinVar aggregate classification (germline): Uncertain significance (1 of 4 stars; one submission).

Conditions:
Epileptic encephalopathy. Identifiers: MedGen C0543888, HP:0200134.

Allele frequency attached by ClinVar (database versions not stated): TOPMed below 0.00001.

Submission:

Labcorp Genetics (formerly Invitae), Labcorp
Classification: Uncertain significance for Epileptic encephalopathy. Last evaluated: 2025-04-09. Review status: criteria provided, single submitter. Criteria: Invitae Variant Classification Sherloc (09022015). Collection method: clinical testing. Allele origin: germline.
Comment: This sequence change replaces glycine, which is neutral and non-polar, with alanine, which is neutral and non-polar, at codon 110 of the FASN protein (p.Gly110Ala). This variant is not present in population databases (gnomAD no frequency). This variant has not been reported in the literature in individuals affected with FASN-related conditions. ClinVar contains an entry for this variant (Variation ID: 576015). An algorithm developed to predict the effect of missense changes on protein structure and function (PolyPhen-2) suggests that this variant is likely to be disruptive. In summary, the available evidence is currently insufficient to determine the role of this variant in disease. Therefore, it has been classified as a Variant of Uncertain Significance.

NM_004104.5(FASN):c.329G>C (p.Gly110Ala)

Gene: FASN (fatty acid synthase; minus strand). Cytogenetic location: 17q25.3.
Variant type: single nucleotide variant.
Coding change: c.329G>C on transcript NM_004104.5 (MANE Select); coding-DNA position 329, G replaced by C.
Protein change: p.Gly110Ala; replaces glycine 110 with alanine.
Molecular consequence: missense variant.
Genome position (GRCh38, 1-based): chr17:82,093,723, C>G on the plus strand (G>C on the coding strand, the complement: FASN is on the minus strand). VCF-style: chr17-82093723-C-G. GRCh37 (hg19) VCF-style: chr17-80051599-C-G.
Other names: short protein forms G110A.
Identifiers: ClinVar variation 576015 (VCV000576015.10), dbSNP rs1401029858, ClinGen allele CA401565226.
Genomic context (GRCh38, chr17:82,093,723, plus strand): 5'-TAGCCCACGAGTGTCTCGGGGTCTCGGCTCAGGGCCTCCGAGGTCTCAGAGCCGCTCACG[C>G]CCACCCAGACGCCAGTGTGTGTTCCTCGGAGTGAATCTGGGTTGATGCCTGCCACAAACA-3'
Protein context (NP_004095.4, residues 100-120): LRGTHTGVWV[Gly110Ala]VSGSETSEAL